The following is an entry in ClinVar:

ClinVar aggregate classification (germline): Uncertain significance (1 of 4 stars; one submission).

Submission:

GeneDx
Classification: Uncertain significance. Last evaluated: 2026-02-03. Review status: criteria provided, single submitter. Criteria: GeneDx Variant Classification Process June 2021. Collection method: clinical testing. Allele origin: germline.
Comment: Not observed at significant frequency in large population cohorts (gnomAD); In silico analysis suggests that this missense variant does not alter protein structure/function; Has not been previously published as pathogenic or benign to our knowledge

NM_001379451.1(BCORL1):c.2404C>T (p.Leu802Phe)

Gene: BCORL1 (BCL6 corepressor like 1; plus strand). Cytogenetic location: Xq26.1.
Variant type: single nucleotide variant.
Coding change: c.2404C>T on transcript NM_001379451.1 (MANE Select); coding-DNA position 2404, C replaced by T.
Protein change: p.Leu802Phe; replaces leucine 802 with phenylalanine.
Molecular consequence: missense variant.
Genome position (GRCh38, 1-based): chrX:130,015,176, C>T. VCF-style: chrX-130015176-C-T. GRCh37 (hg19) VCF-style: chrX-129149152-C-T.
Other names: c.2404C>T, p.Leu802Phe (NM_001184772.3, NM_001379450.1, NM_001441326.1 and 7 more transcripts); short protein forms L802F.
Identifiers: ClinVar variation 4976155 (VCV004976155.1).